The following is an entry in ClinVar:

NC_000010.11:g.(?_54183434)_(54189394_?)del

Gene: PCDH15 (protocadherin related 15; minus strand). Cytogenetic location: 10q21.1.
Variant type: Deletion.
Identifiers: ClinVar variation 831916 (VCV000831916.6).

ClinVar aggregate classification (germline): Pathogenic (1 of 4 stars; one submission).

Submission:

Labcorp Genetics (formerly Invitae), Labcorp
Classification: Pathogenic. Last evaluated: 2022-06-04. Review status: criteria provided, single submitter. Criteria: Invitae Variant Classification Sherloc (09022015). Collection method: clinical testing. Allele origin: germline.
Comment: For these reasons, this variant has been classified as Pathogenic. This variant disrupts a region of the PCDH15 protein in which other variant(s) (p.Val528Asp) have been determined to be pathogenic (PMID: 19107147). This suggests that this is a clinically significant region of the protein, and that variants that disrupt it are likely to be disease-causing. This variant has not been reported in the literature in individuals affected with PCDH15-related conditions. This variant is a gross deletion of the genomic region encompassing exon(s) 12-13 of the PCDH15 gene. This variant would be expected to be in-frame, preserving the integrity of the reading frame.

Literature cited by the submitters: PubMed 19107147.